The following is an entry in ClinVar:

NM_000535.7(PMS2):c.1823C>G (p.Ala608Gly)

Gene: PMS2 (PMS1 homolog 2, mismatch repair system component; minus strand). Cytogenetic location: 7p22.1.
Variant type: single nucleotide variant.
Coding change: c.1823C>G on transcript NM_000535.7 (MANE Select); coding-DNA position 1823, C replaced by G.
Protein change: p.Ala608Gly; replaces alanine 608 with glycine.
Molecular consequence: missense variant. On other transcripts: non-coding transcript variant (1).
Genome position (GRCh38, 1-based): chr7:5,986,942, G>C on the plus strand (C>G on the coding strand, the complement: PMS2 is on the minus strand). VCF-style: chr7-5986942-G-C. GRCh37 (hg19) VCF-style: chr7-6026573-G-C.
Other names: c.1418C>G, p.Ala473Gly (NM_001322003.2, NM_001322004.2, NM_001322005.2 and 1 more transcripts); c.1667C>G, p.Ala556Gly (NM_001322006.2); c.1505C>G, p.Ala502Gly (NM_001322007.2, NM_001322008.2); c.1262C>G, p.Ala421Gly (NM_001322010.2); c.890C>G, p.Ala297Gly (NM_001322011.2, NM_001322012.2); c.1250C>G, p.Ala417Gly (NM_001322013.2); c.1823C>G, p.Ala608Gly (NM_001322014.2); c.1514C>G, p.Ala505Gly (NM_001322015.2); short protein forms A297G, A417G, A421G, A473G, A502G, A505G, A556G, A608G.
Identifiers: ClinVar variation 1317120 (VCV001317120.2), dbSNP rs1562627020, ClinGen allele CA366739705.

ClinVar aggregate classification (germline): Uncertain significance (1 of 4 stars; one submission).

Submission:

GeneDx
Classification: Uncertain significance. Last evaluated: 2021-04-30. Review status: criteria provided, single submitter. Criteria: GeneDx Variant Classification Process June 2021. Collection method: clinical testing. Allele origin: germline. Affected: yes.
Comment: Not observed in large population cohorts (Lek 2016); In silico analysis supports that this missense variant does not alter protein structure/function; Has not been previously published as pathogenic or benign to our knowledge